The following is an entry in ClinVar:

ClinVar aggregate classification (germline): Uncertain significance. Review status: criteria provided, multiple submitters, no conflicts (2 of 4 stars). 2 submissions from 2 submitters: Uncertain significance (2). Last evaluated 2024-07-24.

Conditions:
Hereditary cancer-predisposing syndrome. Also called: Neoplastic Syndromes, Hereditary; Tumor predisposition; Hereditary Cancer Syndrome; Hereditary neoplastic syndrome. Identifiers: Orphanet 140162, MedGen C0027672, MeSH D009386, MONDO:0015356.

gnomAD v4.1: 2 of 1,614,120 alleles (0.00012%); no homozygotes.

Submissions (2):

Quest Diagnostics Nichols Institute San Juan Capistrano
Classification: Uncertain significance. Last evaluated: 2024-07-24. Review status: criteria provided, single submitter. Criteria: Quest Diagnostics criteria. Collection method: clinical testing. Allele origin: unknown.
Comment: The RAD50 c.3611G>A (p.Gly1204Glu) variant has been identified in the published literature in a reportedly healthy individual (PMID: 33471991 (2021), see also LOVD). This variant has not been reported in large, multi-ethnic general populations (Genome Aggregation Database). Analysis of this variant using bioinformatics tools for the prediction of the effect of amino acid changes on protein structure and function yielded conflicting predictions that this variant is benign or damaging. Based on the available information, we are unable to determine the clinical significance of this variant.

Labcorp Genetics (formerly Invitae), Labcorp
Classification: Uncertain significance for Hereditary cancer-predisposing syndrome. Last evaluated: 2023-07-06. Review status: criteria provided, single submitter. Criteria: Invitae Variant Classification Sherloc (09022015). Collection method: clinical testing. Allele origin: germline.
Comment: In summary, the available evidence is currently insufficient to determine the role of this variant in disease. Therefore, it has been classified as a Variant of Uncertain Significance. Advanced modeling of protein sequence and biophysical properties (such as structural, functional, and spatial information, amino acid conservation, physicochemical variation, residue mobility, and thermodynamic stability) performed at Invitae indicates that this missense variant is expected to disrupt RAD50 protein function. ClinVar contains an entry for this variant (Variation ID: 527372). This missense change has been observed to co-occur in individuals with a different variant in RAD50 that has been determined to be pathogenic (Invitae), but the significance of this finding is unclear. This variant has not been reported in the literature in individuals affected with RAD50-related conditions. This variant is not present in population databases (gnomAD no frequency). This sequence change replaces glycine, which is neutral and non-polar, with glutamic acid, which is acidic and polar, at codon 1204 of the RAD50 protein (p.Gly1204Glu).

Literature cited by the submitters: PubMed 33471991 (cited by Quest Diagnostics Nichols Institute San Juan Capistrano).

NM_005732.4(RAD50):c.3611G>A (p.Gly1204Glu)

Genes: TH2LCRR (T helper type 2 locus control region associated RNA; minus strand), TH2-LCR (Th2 cytokine locus control region; plus strand), RAD50 (RAD50 double strand break repair protein; plus strand). Cytogenetic location: 5q31.1.
Variant type: single nucleotide variant.
Coding change: c.3611G>A on transcript NM_005732.4 (MANE Select); coding-DNA position 3611, G replaced by A.
Protein change: p.Gly1204Glu; replaces glycine 1204 with glutamic acid.
Molecular consequence: missense variant. On other transcripts: non-coding transcript variant (3).
Genome position (GRCh38, 1-based): chr5:132,638,216, G>A. VCF-style: chr5-132638216-G-A. GRCh37 (hg19) VCF-style: chr5-131973908-G-A.
Other names: short protein forms G1204E.
Identifiers: ClinVar variation 527372 (VCV000527372.10), dbSNP rs1458966437, ClinGen allele CA360932436.